The following is an entry in ClinVar:

NM_032119.4(ADGRV1):c.1066G>A (p.Glu356Lys)

Gene: ADGRV1 (adhesion G protein-coupled receptor V1; plus strand). Cytogenetic location: 5q14.3.
Variant type: single nucleotide variant.
Coding change: c.1066G>A on transcript NM_032119.4 (MANE Select); coding-DNA position 1066, G replaced by A.
Protein change: p.Glu356Lys; replaces glutamic acid 356 with lysine.
Molecular consequence: missense variant. On other transcripts: non-coding transcript variant (1).
Genome position (GRCh38, 1-based): chr5:90,627,604, G>A. VCF-style: chr5-90627604-G-A. GRCh37 (hg19) VCF-style: chr5-89923421-G-A.
Other names: short protein forms E356K.
Identifiers: ClinVar variation 1924104 (VCV001924104.5), dbSNP rs1425853007, ClinGen allele CA360368975.

ClinVar aggregate classification (germline): Uncertain significance (1 of 4 stars; one submission).

Allele frequency attached by ClinVar (database versions not stated): gnomAD exomes below 0.00001; TOPMed below 0.00001.
gnomAD v4.1: 1 of 1,613,882 alleles (0.000062%); highest among the groups gnomAD compares: Non-Finnish European, 0.000085%; no homozygotes.

Submission:

Labcorp Genetics (formerly Invitae), Labcorp
Classification: Uncertain significance. Last evaluated: 2022-07-12. Review status: criteria provided, single submitter. Criteria: Invitae Variant Classification Sherloc (09022015). Collection method: clinical testing. Allele origin: germline.
Comment: In summary, the available evidence is currently insufficient to determine the role of this variant in disease. Therefore, it has been classified as a Variant of Uncertain Significance. Algorithms developed to predict the effect of missense changes on protein structure and function are either unavailable or do not agree on the potential impact of this missense change (SIFT: "Deleterious"; PolyPhen-2: "Possibly Damaging"; Align-GVGD: "Class C0"). This variant has not been reported in the literature in individuals affected with ADGRV1-related conditions. This variant is present in population databases (no rsID available, gnomAD 0.0009%). This sequence change replaces glutamic acid, which is acidic and polar, with lysine, which is basic and polar, at codon 356 of the ADGRV1 protein (p.Glu356Lys).